The following is an entry in ClinVar:

NM_001080517.3(SETD5):c.2556del (p.Pro853fs)

Gene: SETD5 (SET domain containing 5; plus strand). Cytogenetic location: 3p25.3.
Variant type: Deletion.
Coding change: c.2556del on transcript NM_001080517.3 (MANE Select); coding-DNA position 2556, one base deleted (T; older notation c.2556delT).
Protein change: p.Pro853fs; shifts the reading frame from proline 853.
Molecular consequence: frameshift variant.
Genome position (GRCh38, 1-based): chr3:9,464,504, T deleted. VCF-style (leftmost placement, unchanged base first): chr3-9464503-CT-C. GRCh37 (hg19) VCF-style: chr3-9506187-CT-C.
Other names: c.2262del, p.Pro755fs (NM_001292043.2, NM_001349451.2); c.2652del, p.Pro885fs (NM_001437633.1); c.2613del, p.Pro872fs (NM_001437635.1); c.2556del, p.Pro853fs (NM_001437643.1); c.2595del, p.Pro866fs (NM_001437701.1); short protein forms P755fs, P853fs, P866fs, P872fs, P885fs.
Identifiers: ClinVar variation 4076164 (VCV004076164.1).

ClinVar aggregate classification (germline): Likely pathogenic (1 of 4 stars; one submission).

Conditions:
Intellectual disability-facial dysmorphism syndrome due to SETD5 haploinsufficiency (MRD23). Also called: Intellectual developmental disorder, autosomal dominant 23. Identifiers: Orphanet 404440, MedGen C3810406, MONDO:0014336, OMIM 615761.

Submission:

Laboratorio de Genetica e Diagnostico Molecular, Hospital Israelita Albert Einstein
Classification: Likely pathogenic for Intellectual disability-facial dysmorphism syndrome due to SETD5 haploinsufficiency. Last evaluated: 2024-10-04. Review status: criteria provided, single submitter. Criteria: ACMG Guidelines, 2015. Collection method: clinical testing. Allele origin: germline. Affected: yes.
Comment: ACMG classification criteria: PVS1 very strong, PM2 supporting